The following is an entry in ClinVar:

NM_001042492.3(NF1):c.614A>C (p.Lys205Thr)

Gene: NF1 (neurofibromin 1; plus strand). Cytogenetic location: 17q11.2.
Variant type: single nucleotide variant.
Coding change: c.614A>C on transcript NM_001042492.3 (MANE Select); coding-DNA position 614, A replaced by C.
Protein change: p.Lys205Thr; replaces lysine 205 with threonine.
Molecular consequence: missense variant.
Genome position (GRCh38, 1-based): chr17:31,181,449, A>C. VCF-style: chr17-31181449-A-C. GRCh37 (hg19) VCF-style: chr17-29508467-A-C.
Other names: c.614A>C, p.Lys205Thr (NM_001128147.3, NM_000267.4); short protein forms K205T.
Identifiers: ClinVar variation 3634486 (VCV003634486.2).
Genomic context (GRCh38, chr17:31,181,449, plus strand): 5'-AGAGTTAATTTTTAAAAATTGTGTTTTTTCCAGAAACAGCATTTAAATTTAAAGCCCTAA[A>C]GAAGGTTGCGCAGTTAGCAGTTATAAATAGCCTGGAAAAGGTAAGTTACAACCTCTCTGG-3'
Protein context (NP_001035957.1, residues 195-215): KETAFKFKAL[Lys205Thr]KVAQLAVINS

ClinVar aggregate classification (germline): Uncertain significance (1 of 4 stars; one submission).

Conditions:
Neurofibromatosis, type 1 (NF1). Also called: VON RECKLINGHAUSEN DISEASE; Peripheral type neurofibromatosis; NEUROFIBROMATOSIS, TYPE I, SOMATIC; Neurofibromatosis, type I. Identifiers: Orphanet 636, MedGen C0027831, MONDO:0018975, OMIM 162200. Disease mechanism: loss of function.

Submission:

Labcorp Genetics (formerly Invitae), Labcorp
Classification: Uncertain significance for Neurofibromatosis, type 1. Last evaluated: 2024-06-29. Review status: criteria provided, single submitter. Criteria: Invitae Variant Classification Sherloc (09022015). Collection method: clinical testing. Allele origin: germline.
Comment: This sequence change replaces lysine, which is basic and polar, with threonine, which is neutral and polar, at codon 205 of the NF1 protein (p.Lys205Thr). This variant is not present in population databases (gnomAD no frequency). This variant has not been reported in the literature in individuals affected with NF1-related conditions. Advanced modeling of protein sequence and biophysical properties (such as structural, functional, and spatial information, amino acid conservation, physicochemical variation, residue mobility, and thermodynamic stability) performed at Invitae indicates that this missense variant is expected to disrupt NF1 protein function with a positive predictive value of 95%. In summary, the available evidence is currently insufficient to determine the role of this variant in disease. Therefore, it has been classified as a Variant of Uncertain Significance.